The following is an entry in ClinVar:

NM_001563.4(IMPG1):c.1428del (p.Pro477fs)

Gene: IMPG1 (interphotoreceptor matrix proteoglycan 1; minus strand). Cytogenetic location: 6q14.1.
Variant type: Deletion.
Coding change: c.1428del on transcript NM_001563.4 (MANE Select); coding-DNA position 1428, one base deleted (A; older notation c.1428delA).
Protein change: p.Pro477fs; shifts the reading frame from proline 477.
Molecular consequence: frameshift variant.
Genome position (GRCh38, 1-based): chr6:75,950,958, T deleted on the plus strand (A on the coding strand, the reverse complement: IMPG1 is on the minus strand). VCF-style (leftmost placement, unchanged base first): chr6-75950957-GT-G. GRCh37 (hg19) VCF-style: chr6-76660674-GT-G.
Other names: c.1194del, p.Pro399fs (NM_001282368.2); short protein forms P399fs, P477fs.
Identifiers: ClinVar variation 2955296 (VCV002955296.5), dbSNP rs775770292, ClinGen allele CA141083567.

ClinVar aggregate classification (germline): Pathogenic/Likely pathogenic. Review status: criteria provided, multiple submitters, no conflicts (2 of 4 stars). 3 submissions from 3 submitters: Pathogenic (1); Likely pathogenic (2). Last evaluated 2024-10-01.

Conditions:
IMPG1-related disorder. Also called: IMPG1-related condition.
Vitelliform macular dystrophy 4. Identifiers: Orphanet 99000, MedGen C4015342, MONDO:0014508, OMIM 616151.
Benign concentric annular macular dystrophy. Identifiers: Orphanet 251287, MedGen C5561925, MONDO:0007934, OMIM 153870.

Allele frequency attached by ClinVar (database versions not stated): gnomAD 0.00002; TOPMed 0.00002; gnomAD exomes 0.00006.

Submissions (3):

Blueprint Genetics
Classification: Likely pathogenic for IMPG1-related disorders. Last evaluated: 2024-10-01. Review status: criteria provided, single submitter. Criteria: ACMG Guidelines, 2015. Collection method: clinical testing. Allele origin: germline. Affected: yes. Observed: 5 variant alleles.

Labcorp Genetics (formerly Invitae), Labcorp
Classification: Pathogenic. Last evaluated: 2023-05-07. Review status: criteria provided, single submitter. Criteria: Invitae Variant Classification Sherloc (09022015). Collection method: clinical testing. Allele origin: germline.
Comment: This sequence change creates a premature translational stop signal (p.Pro477Glnfs*43) in the IMPG1 gene. It is expected to result in an absent or disrupted protein product. Loss-of-function variants in IMPG1 are known to be pathogenic (PMID: 23993198). This variant is present in population databases (rs775770292, gnomAD 0.002%). For these reasons, this variant has been classified as Pathogenic. This variant has not been reported in the literature in individuals affected with IMPG1-related conditions.

Department of Pathology and Laboratory Medicine, Sinai Health System
Classification: Likely pathogenic for Vitelliform macular dystrophy 4; Benign concentric annular macular dystrophy. Last evaluated: 2022-11-26. Review status: criteria provided, single submitter. Criteria: ACMG Guidelines, 2015. Collection method: research. Allele origin: germline.

Literature cited by the submitters: PubMed 23993198 (cited by Labcorp Genetics (formerly Invitae), Labcorp).